The following is an entry in ClinVar:

NM_022489.4(INF2):c.1147G>A (p.Val383Met)

Gene: INF2 (inverted formin 2; plus strand). Cytogenetic location: 14q32.33.
Variant type: single nucleotide variant.
Coding change: c.1147G>A on transcript NM_022489.4 (MANE Select); coding-DNA position 1147, G replaced by A.
Protein change: p.Val383Met; replaces valine 383 with methionine.
Molecular consequence: missense variant.
Genome position (GRCh38, 1-based): chr14:104,707,414, G>A. VCF-style: chr14-104707414-G-A. GRCh37 (hg19) VCF-style: chr14-105173751-G-A.
Other names: c.1147G>A, p.Val383Met (NM_001031714.4); short protein forms V383M.
Identifiers: ClinVar variation 429808 (VCV000429808.14), dbSNP rs780689756, ClinGen allele CA7372519.
Genomic context (GRCh38, chr14:104,707,414, plus strand): 5'-AACCTAGACCAGAGCCAGAGGGGCAGCTCCCCGCAAAACACTACAACCCCCAAGCCCAGC[G>A]TGGAGGGCCAGCAGCCAGCAGCAGCTGCTGCCTGCGAGCCCGTGGACCACGCCCAGAGTG-3'
Protein context (NP_071934.3, residues 373-393): PQNTTTPKPS[Val383Met]EGQQPAAAAA

ClinVar aggregate classification (germline): Conflicting classifications of pathogenicity. Review status: criteria provided, conflicting classifications (1 of 4 stars). 4 submissions from 4 submitters: Uncertain significance (1); Likely benign (3). Last evaluated 2024-12-08.

Conditions:
Inborn genetic diseases. Identifiers: MedGen C0950123, MeSH D030342.
Focal segmental glomerulosclerosis 5 (FSGS5). Identifiers: Orphanet 656, MedGen C2750475, MONDO:0013191, OMIM 613237.
Charcot-Marie-Tooth disease dominant intermediate E. Also called: CHARCOT-MARIE-TOOTH NEUROPATHY WITH FOCAL SEGMENTAL GLOMERULONEPHRITIS. Identifiers: Orphanet 93114, MedGen C4302667, MONDO:0013758, OMIM 614455.

Allele frequency attached by ClinVar (database versions not stated): ExAC below 0.00001; gnomAD exomes 0.00002; gnomAD 0.00004; TOPMed 0.00004.

Submissions (4):

Labcorp Genetics (formerly Invitae), Labcorp
Classification: Likely benign for Charcot-Marie-Tooth disease dominant intermediate E; Focal segmental glomerulosclerosis 5. Last evaluated: 2024-12-08. Review status: criteria provided, single submitter. Criteria: Invitae Variant Classification Sherloc (09022015). Collection method: clinical testing. Allele origin: germline.

Ambry Genetics
Classification: Likely benign for Inborn genetic diseases. Last evaluated: 2023-11-21. Review status: criteria provided, single submitter. Criteria: Ambry Variant Classification Scheme 2023. Collection method: clinical testing. Allele origin: germline.

Blueprint Genetics
Classification: Likely benign. Last evaluated: 2023-08-07. Review status: criteria provided, single submitter. Criteria: ACMG Guidelines, 2015. Collection method: clinical testing. Allele origin: germline.

GeneDx
Classification: Uncertain significance. Last evaluated: 2017-05-15. Review status: criteria provided, single submitter. Criteria: GeneDx Variant Classification (06012015). Collection method: clinical testing. Allele origin: germline. Affected: yes.
Comment: The V383M variant has not been published as a pathogenic variant, nor has it been reported as a benign variant to our knowledge. The V383M variant is not observed in large population cohorts (Lek et al., 2016; 1000 Genomes Consortium et al., 2015; Exome Variant Server). This variant is a conservative amino acid substitution, which is not likely to impact secondary protein structure as these residues share similar properties. This substitution occurs at a position that is not conserved. In silico analysis predicts this variant likely does not alter the protein structure/function.

Literature cited by the submitters: PubMed 36413997 (cited by Ambry Genetics).